The following is an entry in ClinVar:

ClinVar aggregate classification (germline): Pathogenic. Review status: criteria provided, multiple submitters, no conflicts (2 of 4 stars). 3 submissions from 3 submitters: Pathogenic (3). Last evaluated 2026-03-24.

Conditions:
Breast-ovarian cancer, familial, susceptibility to, 2 (BROVCA2). Also called: BRCA2 Hereditary Breast and Ovarian Cancer. Identifiers: Orphanet 145, MedGen C2675520, MONDO:0012933, OMIM 612555. Disease mechanism: loss of function.
Hereditary cancer-predisposing syndrome. Also called: Neoplastic Syndromes, Hereditary; Tumor predisposition; Hereditary Cancer Syndrome; Hereditary neoplastic syndrome. Identifiers: Orphanet 140162, MedGen C0027672, MeSH D009386, MONDO:0015356.

Submissions (3):

Dasa
Classification: Pathogenic for Breast-ovarian cancer, familial, susceptibility to, 2. Last evaluated: 2026-03-24. Review status: criteria provided, single submitter. Criteria: DASA Assertion Criteria. Collection method: clinical testing. Allele origin: germline.
Comment: NM_000059.4(BRCA2):c.3819del (p.Phe1273Leufs*3) introduces a premature termination codon predicted to result in loss of normal protein function. Loss-of-function is an established mechanism of disease for this gene. The variant is present at low frequency in population datasets. Based on the available data, this variant is classified as pathogenic.

Ambry Genetics
Classification: Pathogenic for Hereditary cancer-predisposing syndrome. Last evaluated: 2025-11-20. Review status: criteria provided, single submitter. Criteria: Ambry Variant Classification Scheme 2023. Collection method: clinical testing. Allele origin: germline.
Comment: The c.3819delT pathogenic mutation, located in coding exon 10 of the BRCA2 gene, results from a deletion of one nucleotide at nucleotide position 3819, causing a translational frameshift with a predicted alternate stop codon (p.F1273Lfs*3). This alteration is expected to result in loss of function by premature protein truncation or nonsense-mediated mRNA decay. As such, this alteration is interpreted as a disease-causing mutation.

Myriad Genetics, Inc.
Classification: Pathogenic for Breast-ovarian cancer, familial, susceptibility to, 2. Last evaluated: 2025-11-11. Review status: criteria provided, single submitter. Criteria: Myriad Autosomal Dominant, Autosomal Recessive and X-Linked Classification Criteria (2023). Collection method: clinical testing. Allele origin: unknown.
Comment: This variant is considered pathogenic. This variant creates a frameshift predicted to result in premature protein truncation.

NM_000059.4(BRCA2):c.3819del (p.Phe1273fs)

Gene: BRCA2 (BRCA2 DNA repair associated; plus strand). Cytogenetic location: 13q13.1.
Variant type: Deletion.
Coding change: c.3819del on transcript NM_000059.4 (MANE Select); coding-DNA position 3819, one base deleted (T; older notation c.3819delT).
Protein change: p.Phe1273fs; shifts the reading frame from phenylalanine 1273.
Molecular consequence: frameshift variant. On other transcripts: non-coding transcript variant (1), intron variant (2).
Genome position (GRCh38, 1-based): chr13:32,338,174, T deleted; the last of 3 consecutive T bases (chr13:32,338,172-32,338,174); deleting any one gives the same sequence. VCF-style (leftmost placement, unchanged base first): chr13-32338171-GT-G. GRCh37 (hg19) VCF-style: chr13-32912308-GT-G.
Other names: c.3819del, p.Phe1273fs (NM_001406719.1, NM_001406720.1, NM_001432077.1); c.1909+4787del (NM_001406721.1); c.425-6384del (NM_001406722.1); short protein forms F1273fs.
Identifiers: ClinVar variation 4629274 (VCV004629274.3).